The following is an entry in ClinVar:

NM_001370259.2(MEN1):c.502C>A (p.Leu168Met)

Gene: MEN1 (menin 1; minus strand). Cytogenetic location: 11q13.1.
Variant type: single nucleotide variant.
Coding change: c.502C>A on transcript NM_001370259.2 (MANE Select); coding-DNA position 502, C replaced by A.
Protein change: p.Leu168Met; replaces leucine 168 with methionine.
Molecular consequence: missense variant. On other transcripts: non-coding transcript variant (4).
Genome position (GRCh38, 1-based): chr11:64,808,043, G>T on the plus strand (C>A on the coding strand, the complement: MEN1 is on the minus strand). VCF-style: chr11-64808043-G-T. GRCh37 (hg19) VCF-style: chr11-64575515-G-T.
Other names: c.517C>A, p.Leu173Met (NM_001407145.1, NM_001407150.1, NM_000244.4 and 5 more transcripts); c.502C>A, p.Leu168Met (NM_001407146.1, NM_001407147.1, NM_001407148.1 and 12 more transcripts); short protein forms L173M, L168M.
Identifiers: ClinVar variation 4053792 (VCV004053792.1).

ClinVar aggregate classification (germline): Uncertain significance (1 of 4 stars; one submission).

Conditions:
Hereditary cancer-predisposing syndrome. Also called: Neoplastic Syndromes, Hereditary; Tumor predisposition; Hereditary neoplastic syndrome; Hereditary Cancer Syndrome. Identifiers: Orphanet 140162, MedGen C0027672, MeSH D009386, MONDO:0015356.

Submission:

Ambry Genetics
Classification: Uncertain significance for Hereditary cancer-predisposing syndrome. Last evaluated: 2025-03-26. Review status: criteria provided, single submitter. Criteria: Ambry Variant Classification Scheme 2023. Collection method: clinical testing. Allele origin: germline.
Comment: The p.L168M variant (also known as c.502C>A), located in coding exon 2 of the MEN1 gene, results from a C to A substitution at nucleotide position 502. The leucine at codon 168 is replaced by methionine, an amino acid with highly similar properties. This amino acid position is conserved. In addition, this alteration is predicted to be deleterious by in silico analysis. Based on the available evidence, the clinical significance of this variant remains unclear.